The following is an entry in ClinVar:

NM_002224.4(ITPR3):c.4176G>A (p.Pro1392=)

Gene: ITPR3 (inositol 1,4,5-trisphosphate receptor type 3; plus strand). Cytogenetic location: 6p21.31.
Variant type: single nucleotide variant.
Coding change: c.4176G>A on transcript NM_002224.4 (MANE Select); coding-DNA position 4176, G replaced by A.
Protein change: p.Pro1392=; no amino-acid change (proline 1392 retained).
Molecular consequence: synonymous variant.
Genome position (GRCh38, 1-based): chr6:33,680,085, G>A. VCF-style: chr6-33680085-G-A. GRCh37 (hg19) VCF-style: chr6-33647862-G-A.
Identifiers: ClinVar variation 3051686 (VCV003051686.3), dbSNP rs113295587, ClinGen allele CA3761150.

ClinVar aggregate classification (germline): Likely benign. Review status: criteria provided, single submitter (1 of 4 stars). 2 submissions from 2 submitters: Likely benign (1). 1 of the submissions does not count toward it. Last evaluated 2024-07-09.

Conditions:
ITPR3-related disorder. Also called: ITPR3-related condition.

Allele frequency attached by ClinVar (database versions not stated): ExAC 0.00006; gnomAD exomes 0.00006; TOPMed 0.00006; gnomAD 0.00011; 1000 Genomes Project 30x 0.00047; 1000 Genomes Project 0.00060.
gnomAD v4.1: 129 of 1,613,702 alleles (0.008%); highest among the groups gnomAD compares: African/African-American, 0.076%; 2 homozygotes.

Submissions (2):

Blueprint Genetics
Classification: Likely benign. Last evaluated: 2024-07-09. Review status: criteria provided, single submitter. Criteria: ACMG Guidelines, 2015. Collection method: clinical testing. Allele origin: germline.

PreventionGenetics, part of Exact Sciences
Classification: Likely benign for ITPR3-related condition. Last evaluated: 2020-02-26. Review status: no assertion criteria provided. Collection method: clinical testing. Allele origin: germline. Not counted in ClinVar's aggregate classification.
Comment: This variant is classified as likely benign based on ACMG/AMP sequence variant interpretation guidelines (Richards et al. 2015 PMID: 25741868, with internal and published modifications).